The following is an entry in ClinVar:

ClinVar aggregate classification (germline): Uncertain significance. Review status: criteria provided, multiple submitters, no conflicts (2 of 4 stars). 2 submissions from 2 submitters: Uncertain significance (2). Last evaluated 2024-09-06.

Conditions:
Pheochromocytoma. Also called: MAX-Related Hereditary Paraganglioma-Pheochromocytoma Syndrome. Identifiers: Orphanet 29072, MedGen C0031511, MONDO:0008233, OMIM 171300, HP:0002666.
Gastrointestinal stromal tumor. Also called: Gastrointestinal stromal tumor, somatic; Gastrointestinal stroma tumor. Identifiers: Orphanet 44890, MedGen C0238198, MeSH D046152, MONDO:0011719, OMIM 606764, HP:0100723.
Pheochromocytoma/paraganglioma syndrome 4. Also called: SDHB-Related Hereditary Paraganglioma-Pheochromocytoma Syndrome; PARAGANGLIOMA, FAMILIAL MALIGNANT; PARAGANGLIOMAS, HEREDITARY EXTRAADRENAL; PHEOCHROMOCYTOMA, FAMILIAL EXTRAADRENAL; Paragangliomas 4; CAROTID BODY TUMORS AND MULTIPLE EXTRAADRENAL PHEOCHROMOCYTOMAS. Identifiers: Orphanet 29072, MedGen C1861848, MONDO:0007273, OMIM 115310.
Hereditary pheochromocytoma and paraganglioma. Also called: Hereditary pheochromocytoma-paraganglioma; Hereditary Paraganglioma-Pheochromocytoma Syndromes; Hereditary paragangliomas and pheochromocytomas. Identifiers: Orphanet 29072, MedGen C4274332, MONDO:0017366.

Allele frequency attached by ClinVar (database versions not stated): gnomAD exomes below 0.00001; TOPMed below 0.00001.
gnomAD v4.1: 1 of 1,614,130 alleles (0.000062%); highest among the groups gnomAD compares: Non-Finnish European, 0.000085%; no homozygotes.

Submissions (2):

Labcorp Genetics (formerly Invitae), Labcorp
Classification: Uncertain significance for Gastrointestinal stromal tumor; Pheochromocytoma/paraganglioma syndrome 4; Pheochromocytoma. Last evaluated: 2024-09-06. Review status: criteria provided, single submitter. Criteria: Invitae Variant Classification Sherloc (09022015). Collection method: clinical testing. Allele origin: germline.
Comment: This sequence change replaces lysine, which is basic and polar, with threonine, which is neutral and polar, at codon 123 of the SDHB protein (p.Lys123Thr). This variant is not present in population databases (gnomAD no frequency). This variant has not been reported in the literature in individuals affected with SDHB-related conditions. ClinVar contains an entry for this variant (Variation ID: 567212). Invitae Evidence Modeling of protein sequence and biophysical properties (such as structural, functional, and spatial information, amino acid conservation, physicochemical variation, residue mobility, and thermodynamic stability) indicates that this missense variant is not expected to disrupt SDHB protein function with a negative predictive value of 80%. In summary, the available evidence is currently insufficient to determine the role of this variant in disease. Therefore, it has been classified as a Variant of Uncertain Significance.

St. Jude Molecular Pathology, St. Jude Children's Research Hospital
Classification: Uncertain significance for Hereditary pheochromocytoma and paraganglioma. Last evaluated: 2021-07-08. Review status: criteria provided, single submitter. Criteria: St. Jude Assertion Criteria 2020. Collection method: clinical testing. Allele origin: germline.
Comment: The SDHB c.368A>C (p.Lys123Thr) missense change is absent in gnomAD v2.1.1 (PM2_Supporting). In silico tools are not in agreement about the effect of this variant on protein function, but to our knowledge these predictions have not been confirmed by functional assays. To our knowledge, this variant has not been reported in individuals with hereditary paraganglioma-pheochromocytoma. In summary, this variant meets criteria to be classified as of uncertain significance based on the ACMG/AMP criteria: PM2_Supporting.

NM_003000.3(SDHB):c.368A>C (p.Lys123Thr)

Gene: SDHB (succinate dehydrogenase complex iron sulfur subunit B; minus strand). Cytogenetic location: 1p36.13.
Variant type: single nucleotide variant.
Coding change: c.368A>C on transcript NM_003000.3 (MANE Select); coding-DNA position 368, A replaced by C.
Protein change: p.Lys123Thr; replaces lysine 123 with threonine.
Molecular consequence: missense variant.
Genome position (GRCh38, 1-based): chr1:17,028,655, T>G on the plus strand (A>C on the coding strand, the complement: SDHB is on the minus strand). VCF-style: chr1-17028655-T-G. GRCh37 (hg19) VCF-style: chr1-17355150-T-G.
Other names: short protein forms K123T.
Identifiers: ClinVar variation 567212 (VCV000567212.8), dbSNP rs1557741464, ClinGen allele CA338274445.